The following is an entry in ClinVar:

NM_052963.3(TOP1MT):c.985A>G (p.Lys329Glu)

Gene: TOP1MT (DNA topoisomerase I mitochondrial; minus strand). Cytogenetic location: 8q24.3.
Variant type: single nucleotide variant.
Coding change: c.985A>G on transcript NM_052963.3 (MANE Select); coding-DNA position 985, A replaced by G.
Protein change: p.Lys329Glu; replaces lysine 329 with glutamic acid.
Molecular consequence: missense variant.
Genome position (GRCh38, 1-based): chr8:143,321,362, T>C on the plus strand (A>G on the coding strand, the complement: TOP1MT is on the minus strand). VCF-style: chr8-143321362-T-C. GRCh37 (hg19) VCF-style: chr8-144403532-T-C.
Other names: c.691A>G, p.Lys231Glu (NM_001258446.1, NM_001258447.1); short protein forms K231E, K329E.
Identifiers: ClinVar variation 1346691 (VCV001346691.6), dbSNP rs200414597, ClinGen allele CA4908574.

ClinVar aggregate classification (germline): Uncertain significance (1 of 4 stars; one submission).

Allele frequency attached by ClinVar (database versions not stated): gnomAD exomes 0.00006 and 0.00014; ESP Exome Variant Server 0.00008; gnomAD 0.00008 and 0.00010; ExAC 0.00009; TOPMed 0.00011; 1000 Genomes Project 30x 0.00047; 1000 Genomes Project 0.00060.
gnomAD v4.1: 101 of 1,592,218 alleles (0.0063%); highest among the groups gnomAD compares: East Asian, 0.095%; no homozygotes.

Submission:

Labcorp Genetics (formerly Invitae), Labcorp
Classification: Uncertain significance. Last evaluated: 2024-06-27. Review status: criteria provided, single submitter. Criteria: Invitae Variant Classification Sherloc (09022015). Collection method: clinical testing. Allele origin: germline.
Comment: This sequence change replaces lysine, which is basic and polar, with glutamic acid, which is acidic and polar, at codon 329 of the TOP1MT protein (p.Lys329Glu). This variant is present in population databases (rs200414597, gnomAD 0.1%), and has an allele count higher than expected for a pathogenic variant. This variant has not been reported in the literature in individuals affected with TOP1MT-related conditions. ClinVar contains an entry for this variant (Variation ID: 1346691). Advanced modeling of protein sequence and biophysical properties (such as structural, functional, and spatial information, amino acid conservation, physicochemical variation, residue mobility, and thermodynamic stability) performed at Invitae indicates that this missense variant is expected to disrupt TOP1MT protein function with a positive predictive value of 80%. In summary, the available evidence is currently insufficient to determine the role of this variant in disease. Therefore, it has been classified as a Variant of Uncertain Significance.